The following is an entry in ClinVar:

NM_198525.3(KIF7):c.646C>T (p.Arg216Cys)

Gene: KIF7 (kinesin family member 7; minus strand). Cytogenetic location: 15q26.1.
Variant type: single nucleotide variant.
Coding change: c.646C>T on transcript NM_198525.3 (MANE Select); coding-DNA position 646, C replaced by T.
Protein change: p.Arg216Cys; replaces arginine 216 with cysteine.
Molecular consequence: missense variant.
Genome position (GRCh38, 1-based): chr15:89,649,251, G>A on the plus strand (C>T on the coding strand, the complement: KIF7 is on the minus strand). VCF-style: chr15-89649251-G-A. GRCh37 (hg19) VCF-style: chr15-90192482-G-A.
Other names: short protein forms R216C.
Identifiers: ClinVar variation 1408876 (VCV001408876.8), dbSNP rs1373212168, ClinGen allele CA393775809.

ClinVar aggregate classification (germline): Uncertain significance (1 of 4 stars; one submission).

Conditions:
Acrocallosal syndrome (ACLS). Also called: HALLUX DUPLICATION, POSTAXIAL POLYDACTYLY, AND ABSENCE OF CORPUS CALLOSUM; Schinzel syndrome 1; Absence of corpus callosum with unusual facial appearance, mental deficiency, duplication of the halluces and polydactyly. Identifiers: Orphanet 36, MedGen C0796147, MONDO:0008708, OMIM 200990.

Allele frequency attached by ClinVar (database versions not stated): TOPMed below 0.00001; gnomAD 0.00001; gnomAD exomes 0.00001.

Submission:

Labcorp Genetics (formerly Invitae), Labcorp
Classification: Uncertain significance for Acrocallosal syndrome. Last evaluated: 2021-06-30. Review status: criteria provided, single submitter. Criteria: Invitae Variant Classification Sherloc (09022015). Collection method: clinical testing. Allele origin: germline.
Comment: This sequence change replaces arginine with cysteine at codon 216 of the KIF7 protein (p.Arg216Cys). The arginine residue is weakly conserved and there is a large physicochemical difference between arginine and cysteine. The frequency data for this variant in the population databases is considered unreliable, as metrics indicate insufficient coverage at this position in the ExAC database. This variant has not been reported in the literature in individuals with KIF7-related conditions. Algorithms developed to predict the effect of missense changes on protein structure and function are either unavailable or do not agree on the potential impact of this missense change (SIFT: "Deleterious"; PolyPhen-2: "Probably Damaging"; Align-GVGD: "Class C0"). In summary, the available evidence is currently insufficient to determine the role of this variant in disease. Therefore, it has been classified as a Variant of Uncertain Significance.